The following is an entry in ClinVar:

ClinVar aggregate classification (germline): Uncertain significance (1 of 4 stars; one submission).

Conditions:
Inborn genetic diseases. Identifiers: MedGen C0950123, MeSH D030342.

Submission:

Ambry Genetics
Classification: Uncertain significance for Inborn genetic diseases. Last evaluated: 2021-08-19. Review status: criteria provided, single submitter. Criteria: Ambry Variant Classification Scheme 2023. Collection method: clinical testing. Allele origin: germline.
Comment: The p.G586S variant (also known as c.1756G>A), located in coding exon 12 of the LTBP3 gene, results from a G to A substitution at nucleotide position 1756. The glycine at codon 586 is replaced by serine, an amino acid with similar properties. This amino acid position is conserved. In addition, the in silico prediction for this alteration is inconclusive. Since supporting evidence is limited at this time, the clinical significance of this alteration remains unclear.

NM_001130144.3(LTBP3):c.1756G>A (p.Gly586Ser)

Gene: LTBP3 (latent transforming growth factor beta binding protein 3; minus strand). Cytogenetic location: 11q13.1.
Variant type: single nucleotide variant.
Coding change: c.1756G>A on transcript NM_001130144.3 (MANE Select); coding-DNA position 1756, G replaced by A.
Protein change: p.Gly586Ser; replaces glycine 586 with serine.
Molecular consequence: missense variant.
Genome position (GRCh38, 1-based): chr11:65,548,010, C>T on the plus strand (G>A on the coding strand, the complement: LTBP3 is on the minus strand). VCF-style: chr11-65548010-C-T. GRCh37 (hg19) VCF-style: chr11-65315481-C-T.
Other names: c.1405G>A, p.Gly469Ser (NM_001164266.1); c.1756G>A, p.Gly586Ser (NM_021070.4); short protein forms G586S, G469S.
Identifiers: ClinVar variation 1779475 (VCV001779475.2), dbSNP rs2496155701, ClinGen allele CA381272067.